The following is an entry in ClinVar:

NM_030632.3(ASXL3):c.2584A>C (p.Lys862Gln)

Gene: ASXL3 (ASXL transcriptional regulator 3; plus strand). Cytogenetic location: 18q12.1.
Variant type: single nucleotide variant.
Coding change: c.2584A>C on transcript NM_030632.3 (MANE Select); coding-DNA position 2584, A replaced by C.
Protein change: p.Lys862Gln; replaces lysine 862 with glutamine.
Molecular consequence: missense variant.
Genome position (GRCh38, 1-based): chr18:33,739,988, A>C. VCF-style: chr18-33739988-A-C. GRCh37 (hg19) VCF-style: chr18-31319952-A-C.
Other names: short protein forms K862Q.
Identifiers: ClinVar variation 4980726 (VCV004980726.1).

ClinVar aggregate classification (germline): Uncertain significance (1 of 4 stars; one submission).

Conditions:
ASXL3-related disorder. Also called: ASXL3-related condition. Identifiers: MedGen CN381524.

gnomAD v4.1: 11 of 1,613,942 alleles (0.00068%); highest among the groups gnomAD compares: Non-Finnish European, 0.00093%; no homozygotes.

Submission:

PreventionGenetics, part of Exact Sciences
Classification: Uncertain significance for ASXL3-related condition. Last evaluated: 2025-08-31. Review status: criteria provided, single submitter. Criteria: ACMG Guidelines, 2015. Collection method: clinical testing. Allele origin: germline.
Comment: The ASXL3 c.2584A>C variant is predicted to result in the amino acid substitution p.Lys862Gln. To our knowledge, this variant has not been reported in the literature or in a large population database (gnomAD), indicating this variant is rare. Although we suspect that this variant may be benign, at this time, the clinical significance of this variant is uncertain due to the absence of conclusive functional and genetic evidence.